The following is an entry in ClinVar:

NM_005535.3(IL12RB1):c.151A>G (p.Arg51Gly)

Gene: IL12RB1 (interleukin 12 receptor subunit beta 1; minus strand). Cytogenetic location: 19p13.11.
Variant type: single nucleotide variant.
Coding change: c.151A>G on transcript NM_005535.3 (MANE Select); coding-DNA position 151, A replaced by G.
Protein change: p.Arg51Gly; replaces arginine 51 with glycine.
Molecular consequence: missense variant.
Genome position (GRCh38, 1-based): chr19:18,082,238, T>C on the plus strand (A>G on the coding strand, the complement: IL12RB1 is on the minus strand). VCF-style: chr19-18082238-T-C. GRCh37 (hg19) VCF-style: chr19-18193048-T-C.
Other names: c.151A>G, p.Arg51Gly (NM_001290023.2, NM_153701.3); c.271A>G, p.Arg91Gly (NM_001290024.2); short protein forms R51G, R91G.
Identifiers: ClinVar variation 3624329 (VCV003624329.2).
Genomic context (GRCh38, chr19:18,082,238, plus strand): 5'-CTGTGGGACCCTCATACTGCCAGGAGCACTCGTAACGATCACTGGATATCCGATAGCATC[T>C]CAGGTCCCTAGGGCCCGAGGCCGAGCCTGGAAGAGATCCTGTAGGCTTGGGAACAGACCA-3'
Protein context (NP_005526.1, residues 41-61): SGSASGPRDL[Arg51Gly]CYRISSDRYE

ClinVar aggregate classification (germline): Uncertain significance (1 of 4 stars; one submission).

Conditions:
Mendelian susceptibility to mycobacterial diseases due to complete IL12RB1 deficiency. Also called: IL12RB1 DEFICIENCY; Immunodeficiency 30. Identifiers: Orphanet 319552, MedGen C4013949, MONDO:0013955, OMIM 614891.

gnomAD v4.1: 4 of 1,613,320 alleles (0.00025%); highest among the groups gnomAD compares: Admixed American, 0.0017%; no homozygotes.

Submission:

Labcorp Genetics (formerly Invitae), Labcorp
Classification: Uncertain significance for Mendelian susceptibility to mycobacterial diseases due to complete IL12RB1 deficiency. Last evaluated: 2024-02-08. Review status: criteria provided, single submitter. Criteria: Invitae Variant Classification Sherloc (09022015). Collection method: clinical testing. Allele origin: germline.
Comment: This sequence change replaces arginine, which is basic and polar, with glycine, which is neutral and non-polar, at codon 51 of the IL12RB1 protein (p.Arg51Gly). This variant is not present in population databases (gnomAD no frequency). This variant has not been reported in the literature in individuals affected with IL12RB1-related conditions. Advanced modeling of protein sequence and biophysical properties (such as structural, functional, and spatial information, amino acid conservation, physicochemical variation, residue mobility, and thermodynamic stability) performed at Invitae indicates that this missense variant is not expected to disrupt IL12RB1 protein function with a negative predictive value of 80%. In summary, the available evidence is currently insufficient to determine the role of this variant in disease. Therefore, it has been classified as a Variant of Uncertain Significance.